The following is an entry in ClinVar:

ClinVar aggregate classification (germline): Uncertain significance (1 of 4 stars; one submission).

Conditions:
Cardiovascular phenotype. Identifiers: MedGen CN230736.

Submission:

Ambry Genetics
Classification: Uncertain significance for Cardiovascular phenotype. Last evaluated: 2025-09-20. Review status: criteria provided, single submitter. Criteria: Ambry Variant Classification Scheme 2023. Collection method: clinical testing. Allele origin: germline.
Comment: The p.A105P variant (also known as c.313G>C), located in coding exon 3 of the PTPN11 gene, results from a G to C substitution at nucleotide position 313. The alanine at codon 105 is replaced by proline, an amino acid with highly similar properties. This amino acid position is conserved. In addition, the in silico prediction for this alteration is inconclusive. Based on the available evidence, the clinical significance of this variant remains unclear.

NM_002834.5(PTPN11):c.313G>C (p.Ala105Pro)

Gene: PTPN11 (protein tyrosine phosphatase non-receptor type 11; plus strand). Cytogenetic location: 12q24.13.
Variant type: single nucleotide variant.
Coding change: c.313G>C on transcript NM_002834.5 (MANE Select); coding-DNA position 313, G replaced by C.
Protein change: p.Ala105Pro; replaces alanine 105 with proline.
Molecular consequence: missense variant.
Genome position (GRCh38, 1-based): chr12:112,450,493, G>C. VCF-style: chr12-112450493-G-C. GRCh37 (hg19) VCF-style: chr12-112888297-G-C.
Other names: c.313G>C, p.Ala105Pro (NM_001330437.2, NM_080601.3); c.310G>C, p.Ala104Pro (NM_001374625.1); short protein forms A104P, A105P.
Identifiers: ClinVar variation 4614762 (VCV004614762.1).
Genomic context (GRCh38, chr12:112,450,493, plus strand): 5'-CACGGGCAATTAAAAGAGAAGAATGGAGATGTCATTGAGCTTAAATATCCTCTGAACTGT[G>C]CAGATCCTACCTCTGAAAGGTCAGTAACATTTTAGTGACCACAAAGTCTGCTGCTCCCTT-3'
Protein context (NP_002825.3, residues 95-115): VIELKYPLNC[Ala105Pro]DPTSERWFHG